The following is an entry in ClinVar:

NM_021098.3(CACNA1H):c.2662C>A (p.Leu888Met)

Gene: CACNA1H (calcium voltage-gated channel subunit alpha1 H; plus strand). Cytogenetic location: 16p13.3.
Variant type: single nucleotide variant.
Coding change: c.2662C>A on transcript NM_021098.3 (MANE Select); coding-DNA position 2662, C replaced by A.
Protein change: p.Leu888Met; replaces leucine 888 with methionine.
Molecular consequence: missense variant.
Genome position (GRCh38, 1-based): chr16:1,206,162, C>A. VCF-style: chr16-1206162-C-A. GRCh37 (hg19) VCF-style: chr16-1256162-C-A.
Other names: c.2662C>A, p.Leu888Met (NM_001005407.2); short protein forms L888M.
Identifiers: ClinVar variation 388460 (VCV000388460.2), dbSNP rs868696475, ClinGen allele CA16607976.

ClinVar aggregate classification (germline): Uncertain significance (1 of 4 stars; one submission).

Allele frequency attached by ClinVar (database versions not stated): gnomAD 0.00003 and 0.00001; TOPMed 0.00001.
gnomAD v4.1: 16 of 1,585,858 alleles (0.001%); highest among the groups gnomAD compares: African/African-American, 0.0013%; no homozygotes.

Submission:

GeneDx
Classification: Uncertain significance. Last evaluated: 2018-02-27. Review status: criteria provided, single submitter. Criteria: GeneDx Variant Classification (06012015). Collection method: clinical testing. Allele origin: germline. Affected: yes.
Comment: The L888M variant in the CACNA1H gene has not been reported previously as a pathogenic variant, nor as a benign variant, to our knowledge. The L888M variant was not observed in approximately 6,300 individuals of European and African American ancestry in the NHLBI Exome Sequencing Project, indicating it is not a common benign variant in these populations. The L888M variant is a conservative amino acid substitution, which is not likely to impact secondary protein structure as these residues share similar properties. This substitution occurs at a position that is conserved across species. In silico analysis is inconsistent in its predictions as to whether or not the variant is damaging to the protein structure/function. We interpret L888M as a variant of uncertain significance.